The following is an entry in ClinVar:

ClinVar aggregate classification (germline): Uncertain significance. Review status: criteria provided, multiple submitters, no conflicts (2 of 4 stars). 2 submissions from 2 submitters: Uncertain significance (2). Last evaluated 2022-03-22.

Conditions:
BODY MASS INDEX QUANTITATIVE TRAIT LOCUS 4 (BMIQ4). Also called: OBESITY (BMIQ4), SUSCEPTIBILITY TO. Identifiers: MedGen C1843898, OMIM 607447.

Allele frequency attached by ClinVar (database versions not stated): gnomAD 0.00001; ExAC 0.00006; TOPMed 0.00006.
gnomAD v4.1: 68 of 1,610,956 alleles (0.0042%); highest among the groups gnomAD compares: East Asian, 0.027%; no homozygotes.

Submissions (2):

Fulgent Genetics
Classification: Uncertain significance for BODY MASS INDEX QUANTITATIVE TRAIT LOCUS 4. Last evaluated: 2022-03-22. Review status: criteria provided, single submitter. Criteria: ACMG Guidelines, 2015. Collection method: clinical testing. Allele origin: unknown.

Genetic Services Laboratory, University of Chicago
Classification: Uncertain significance. Last evaluated: 2020-05-13. Review status: criteria provided, single submitter. Criteria: ACMG Guidelines, 2015. Collection method: clinical testing. Allele origin: germline. Affected: no.
Comment: DNA sequence analysis of the UCP2 gene demonstrated a sequence change, c.799C>T, which results in the creation of a premature stop codon at amino acid position 267, p.Arg267*. This sequence change is predicted to result in an abnormal transcript, which may be degraded, or may lead to the production of a truncated UCP2 protein with potentially abnormal function. This sequence change has not been previously described in patients with hyperinsulinism. This sequence change has been described in the gnomAD database with a population frequency of 0.0056% (dbSNP rs748009040). Due to the lack of functional studies that conclusively demonstrate the effect of this variant on protein function, the fact that this variant is present in a proportion of individuals in control populations, the clinical significance of the p.Arg267* change remains unknown at this time.

NM_003355.3(UCP2):c.799C>T (p.Arg267Ter)

Gene: UCP2 (uncoupling protein 2; minus strand). Cytogenetic location: 11q13.4.
Variant type: single nucleotide variant.
Coding change: c.799C>T on transcript NM_003355.3 (MANE Select); coding-DNA position 799, C replaced by T.
Protein change: p.Arg267Ter; replaces arginine 267 with a stop codon.
Molecular consequence: nonsense.
Genome position (GRCh38, 1-based): chr11:73,975,507, G>A on the plus strand (C>T on the coding strand, the complement: UCP2 is on the minus strand). VCF-style: chr11-73975507-G-A. GRCh37 (hg19) VCF-style: chr11-73686552-G-A.
Other names: c.799C>T, p.Arg267Ter (NM_001381943.1, NM_001381944.1, NM_001381945.1 and 2 more transcripts); c.697C>T, p.Arg233Ter (NM_001381949.1); c.604C>T, p.Arg202Ter (NM_001381950.1); short protein forms R202*, R233*, R267*.
Identifiers: ClinVar variation 1338586 (VCV001338586.5), dbSNP rs748009040, ClinGen allele CA6181033.